The following is an entry in ClinVar:

ClinVar aggregate classification (germline): Uncertain significance. Review status: criteria provided, multiple submitters, no conflicts (2 of 4 stars). 2 submissions from 2 submitters: Uncertain significance (2). Last evaluated 2025-09-15.

gnomAD v4.1: 40 of 1,614,070 alleles (0.0025%); highest among the groups gnomAD compares: Non-Finnish European, 0.0032%; no homozygotes.

Submissions (2):

Labcorp Genetics (formerly Invitae), Labcorp
Classification: Uncertain significance. Last evaluated: 2025-09-15. Review status: criteria provided, single submitter. Criteria: Invitae Variant Classification Sherloc (09022015). Collection method: clinical testing. Allele origin: germline.
Comment: This sequence change replaces isoleucine, which is neutral and non-polar, with lysine, which is basic and polar, at codon 2425 of the IGSF10 protein (p.Ile2425Lys). This variant is present in population databases (rs764003846, gnomAD 0.004%). This variant has not been reported in the literature in individuals affected with IGSF10-related conditions. An algorithm developed to predict the effect of missense changes on protein structure and function (PolyPhen-2) suggests that this variant is likely to be disruptive. In summary, the available evidence is currently insufficient to determine the role of this variant in disease. Therefore, it has been classified as a Variant of Uncertain Significance.

Ambry Genetics
Classification: Uncertain significance. Last evaluated: 2025-07-15. Review status: criteria provided, single submitter. Criteria: Ambry Variant Classification Scheme 2023. Collection method: clinical testing. Allele origin: germline.

NM_178822.5(IGSF10):c.7274T>A (p.Ile2425Lys)

Gene: IGSF10 (immunoglobulin superfamily member 10; minus strand). Cytogenetic location: 3q25.1.
Variant type: single nucleotide variant.
Coding change: c.7274T>A on transcript NM_178822.5 (MANE Select); coding-DNA position 7274, T replaced by A.
Protein change: p.Ile2425Lys; replaces isoleucine 2425 with lysine.
Molecular consequence: missense variant.
Genome position (GRCh38, 1-based): chr3:151,437,287, A>T on the plus strand (T>A on the coding strand, the complement: IGSF10 is on the minus strand). VCF-style: chr3-151437287-A-T. GRCh37 (hg19) VCF-style: chr3-151155075-A-T.
Other names: c.1211T>A, p.Ile404Lys (NM_001178145.3, NM_001178146.3); c.7274T>A, p.Ile2425Lys (NM_001385060.1, NM_001385061.1, NM_001385062.1 and 1 more transcripts); short protein forms I2425K, I404K.
Identifiers: ClinVar variation 4274431 (VCV004274431.2).